The following is an entry in ClinVar:

ClinVar aggregate classification (germline): Conflicting classifications of pathogenicity. Review status: criteria provided, conflicting classifications (1 of 4 stars). 4 submissions from 4 submitters: Uncertain significance (3); Likely benign (1). Last evaluated 2026-02-10.

Conditions:
Inborn genetic diseases. Identifiers: MedGen C0950123, MeSH D030342.
Familial hypokalemia-hypomagnesemia (GTLMNS). Also called: HYPOMAGNESEMIA-HYPOKALEMIA, PRIMARY RENOTUBULAR, WITH HYPOCALCIURIA; POTASSIUM AND MAGNESIUM DEPLETION; gitelman syndrome. Identifiers: Orphanet 358, MedGen C0268450, MONDO:0009904, OMIM 263800.

Allele frequency attached by ClinVar (database versions not stated): ExAC 0.00009; gnomAD 0.00016 and 0.00019; gnomAD exomes 0.00017; TOPMed 0.00021.
gnomAD v4.1: 214 of 1,613,858 alleles (0.013%); highest among the groups gnomAD compares: Admixed American, 0.09%; no homozygotes.

Submissions (4):

GeneDx
Classification: Uncertain significance. Last evaluated: 2026-02-10. Review status: criteria provided, single submitter. Criteria: GeneDx Variant Classification Process June 2021. Collection method: clinical testing. Allele origin: germline.
Comment: In silico analysis suggests that this missense variant does not alter protein structure/function; Has not been previously published as pathogenic or benign to our knowledge

Labcorp Genetics (formerly Invitae), Labcorp
Classification: Likely benign. Last evaluated: 2025-09-16. Review status: criteria provided, single submitter. Criteria: Invitae Variant Classification Sherloc (09022015). Collection method: clinical testing. Allele origin: germline.

Ambry Genetics
Classification: Uncertain significance for Inborn genetic diseases. Last evaluated: 2024-01-23. Review status: criteria provided, single submitter. Criteria: Ambry Variant Classification Scheme 2023. Collection method: clinical testing. Allele origin: germline.

Fulgent Genetics
Classification: Uncertain significance for Familial hypokalemia-hypomagnesemia. Last evaluated: 2024-01-05. Review status: criteria provided, single submitter. Criteria: ACMG Guidelines, 2015. Collection method: clinical testing. Allele origin: germline.

NM_001126108.2(SLC12A3):c.323G>A (p.Arg108Gln)

Gene: SLC12A3 (solute carrier family 12 member 3; plus strand). Cytogenetic location: 16q13.
Variant type: single nucleotide variant.
Coding change: c.323G>A on transcript NM_001126108.2 (MANE Select); coding-DNA position 323, G replaced by A.
Protein change: p.Arg108Gln; replaces arginine 108 with glutamine.
Molecular consequence: missense variant.
Genome position (GRCh38, 1-based): chr16:56,867,110, G>A. VCF-style: chr16-56867110-G-A. GRCh37 (hg19) VCF-style: chr16-56901022-G-A.
Other names: c.323G>A (NM_000339.2); c.323G>A, p.Arg108Gln (NM_000339.3); c.320G>A, p.Arg107Gln (NM_001126107.2); short protein forms R107Q, R108Q.
Identifiers: ClinVar variation 1630994 (VCV001630994.11), dbSNP rs768537535, ClinGen allele CA8068986.
Genomic context (GRCh38, chr16:56,867,110, plus strand): 5'-TGTGGTCTCTGGGCTGCCAGCAGGAAGGCAGACACCTGCATGCCCTGGCCTTTGACAGCC[G>A]GCCCAGCCACGAGATGACTGATGGGCTGGTGGAGGGCGAGGCAGGCACCAGCAGCGAGAA-3'
Protein context (NP_001119580.2, residues 98-118): RHLHALAFDS[Arg108Gln]PSHEMTDGLV